The following is an entry in ClinVar:

ClinVar aggregate classification (germline): Uncertain significance (1 of 4 stars; one submission).

Submission:

Ambry Genetics
Classification: Uncertain significance. Last evaluated: 2025-02-01. Review status: criteria provided, single submitter. Criteria: Ambry Variant Classification Scheme 2023. Collection method: clinical testing. Allele origin: germline.
Comment: The p.D29E variant (also known as c.87C>G), located in coding exon 2 of the RAD51B gene, results from a C to G substitution at nucleotide position 87. The aspartic acid at codon 29 is replaced by glutamic acid, an amino acid with highly similar properties. This amino acid position is conserved. In addition, this alteration is predicted to be tolerated by in silico analysis. Based on the available evidence, the clinical significance of this variant remains unclear.

NM_133510.4(RAD51B):c.87C>G (p.Asp29Glu)

Gene: RAD51B (RAD51 paralog B; plus strand). Cytogenetic location: 14q24.1.
Variant type: single nucleotide variant.
Coding change: c.87C>G on transcript NM_133510.4 (MANE Select); coding-DNA position 87, C replaced by G.
Protein change: p.Asp29Glu; replaces aspartic acid 29 with glutamic acid.
Molecular consequence: missense variant. On other transcripts: 5 prime UTR variant (2).
Genome position (GRCh38, 1-based): chr14:67,825,466, C>G. VCF-style: chr14-67825466-C-G. GRCh37 (hg19) VCF-style: chr14-68292183-C-G.
Other names: c.87C>G, p.Asp29Glu (NM_001321809.2, NM_001321810.2, NM_001321812.1 and 6 more transcripts); c.-28C>G (NM_001321815.1); c.-369C>G (NM_001321817.2); short protein forms D29E.
Identifiers: ClinVar variation 3786441 (VCV003786441.1).
Genomic context (GRCh38, chr14:67,825,466, plus strand): 5'-AACTCTAGTATCTTTGTTACACATATATGTTTAAAATACTCTCTTTATGTTTCTTTAGGA[C>G]TTTTTATGTCTTTCCCCACTGGAGCTTATGAAGGTGACTGGTCTGAGTTATCGAGGTGTC-3'
Protein context (NP_598194.1, residues 19-39): LSRHQILTCQ[Asp29Glu]FLCLSPLELM